The following is an entry in ClinVar:

NM_014795.4(ZEB2):c.2913C>A (p.Asp971Glu)

Gene: ZEB2 (zinc finger E-box binding homeobox 2; minus strand). Cytogenetic location: 2q22.3.
Variant type: single nucleotide variant.
Coding change: c.2913C>A on transcript NM_014795.4 (MANE Select); coding-DNA position 2913, C replaced by A.
Protein change: p.Asp971Glu; replaces aspartic acid 971 with glutamic acid.
Molecular consequence: missense variant.
Genome position (GRCh38, 1-based): chr2:144,396,566, G>T on the plus strand (C>A on the coding strand, the complement: ZEB2 is on the minus strand). VCF-style: chr2-144396566-G-T. GRCh37 (hg19) VCF-style: chr2-145154133-G-T.
Other names: c.2841C>A, p.Asp947Glu (NM_001171653.2); short protein forms D947E, D971E.
Identifiers: ClinVar variation 2973394 (VCV002973394.4), dbSNP rs1263988535, ClinGen allele CA348704790.
Genomic context (GRCh38, chr2:144,396,566, plus strand): 5'-GATCTTTTTGCGAGACAGACAGGAGTCGGAGTCTGTCATATCATCTAGGCCTGACATGTA[G>T]TCTTGTGCTCCATCAAGCAATTCTCCCTGCGATAGAATCACACAGTTCAATACAGTGGCT-3'
Protein context (NP_055610.1, residues 961-981): FQGELLDGAQ[Asp971Glu]YMSGLDDMTD

ClinVar aggregate classification (germline): Uncertain significance. Review status: criteria provided, multiple submitters, no conflicts (2 of 4 stars). 2 submissions from 2 submitters: Uncertain significance (2). Last evaluated 2026-03-16.

Conditions:
Mowat-Wilson syndrome (MOWS). Also called: Classic Mowat-Wilson Syndrome. Identifiers: Orphanet 2152, MedGen C1856113, MONDO:0009341, OMIM 235730.

Allele frequency attached by ClinVar (database versions not stated): gnomAD exomes below 0.00001; TOPMed 0.00001.
gnomAD v4.1: 2 of 1,613,926 alleles (0.00012%); highest among the groups gnomAD compares: Admixed American, 0.0033%; no homozygotes.

Submissions (2):

Women's Health and Genetics/Laboratory Corporation of America, LabCorp
Classification: Uncertain significance. Last evaluated: 2026-03-16. Review status: criteria provided, single submitter. Criteria: LabCorp Variant Classification Summary - May 2015. Collection method: clinical testing. Allele origin: germline.
Comment: Variant summary: ZEB2 c.2913C>A (p.Asp971Glu) results in a conservative amino acid change in the encoded protein sequence. Algorithms developed to predict the effect of missense changes on protein structure and function are either unavailable or do not agree on the potential impact of this missense change. The variant allele was found at a frequency of 8e-06 in 251158 control chromosomes. The available data on variant occurrences in the general population are insufficient to allow any conclusion about variant significance. To our knowledge, no occurrence of c.2913C>A in individuals affected with ZEB2-related conditions and no experimental evidence demonstrating its impact on protein function have been reported. ClinVar contains an entry for this variant (Variation ID: 2973394). Based on the evidence outlined above, the variant was classified as uncertain significance.

Labcorp Genetics (formerly Invitae), Labcorp
Classification: Uncertain significance for Mowat-Wilson syndrome. Last evaluated: 2024-06-04. Review status: criteria provided, single submitter. Criteria: Invitae Variant Classification Sherloc (09022015). Collection method: clinical testing. Allele origin: germline.
Comment: This sequence change replaces aspartic acid, which is acidic and polar, with glutamic acid, which is acidic and polar, at codon 971 of the ZEB2 protein (p.Asp971Glu). This variant is present in population databases (no rsID available, gnomAD 0.006%). This variant has not been reported in the literature in individuals affected with ZEB2-related conditions. Advanced modeling of protein sequence and biophysical properties (such as structural, functional, and spatial information, amino acid conservation, physicochemical variation, residue mobility, and thermodynamic stability) performed at Invitae indicates that this missense variant is not expected to disrupt ZEB2 protein function with a negative predictive value of 80%. In summary, the available evidence is currently insufficient to determine the role of this variant in disease. Therefore, it has been classified as a Variant of Uncertain Significance.